The following is an entry in ClinVar:

ClinVar aggregate classification (germline): Benign. Review status: criteria provided, multiple submitters, no conflicts (2 of 4 stars). 5 submissions from 5 submitters: Benign (5). Last evaluated 2026-02-02.

Conditions:
ALG9 congenital disorder of glycosylation (CDG1L). Also called: ALG9-CDG; CONGENITAL DISORDER OF GLYCOSYLATION, TYPE Il; CDG Il. Identifiers: Orphanet 79328, MedGen C2931006, MONDO:0012117, OMIM 608776.
Cutis laxa with osteodystrophy (ARCL2A). Also called: CUTIS LAXA, AUTOSOMAL RECESSIVE, TYPE IIA; Debré-Type Cutis Laxa; CUTIS LAXA WITH CONGENITAL DISORDER OF GLYCOSYLATION; CUTIS LAXA WITH BONE DYSTROPHY; CUTIS LAXA WITH GROWTH AND DEVELOPMENTAL DELAY; CUTIS LAXA WITH JOINT LAXITY AND RETARDED DEVELOPMENT. Identifiers: Orphanet 357058, MedGen C0268355, MONDO:0018163, OMIM 219200. Disease mechanism: loss of function.

Allele frequency attached by ClinVar (database versions not stated): gnomAD exomes 0.00115 and 0.00291; ExAC 0.00350; 1000 Genomes Project 30x 0.00968; 1000 Genomes Project 0.01018; gnomAD 0.01072 and 0.01148; TOPMed 0.01227; ESP Exome Variant Server 0.01277.
gnomAD v4.1: 3,348 of 1,547,132 alleles (0.22%); highest among the groups gnomAD compares: African/African-American, 3.8%; 56 homozygotes.

Submissions (5):

Labcorp Genetics (formerly Invitae), Labcorp
Classification: Benign for ALG9 congenital disorder of glycosylation. Last evaluated: 2026-02-02. Review status: criteria provided, single submitter. Criteria: Invitae Variant Classification Sherloc (09022015). Collection method: clinical testing. Allele origin: germline.

Illumina Laboratory Services, Illumina
Classification: Benign for Cutis laxa with osteodystrophy. Last evaluated: 2018-01-13. Review status: criteria provided, single submitter. Criteria: ICSL Variant Classification Criteria 13 December 2019. Collection method: clinical testing. Allele origin: germline.
Comment: This variant was observed in the ICSL laboratory as part of a predisposition screen in an ostensibly healthy population. It had not been previously curated by ICSL or reported in the Human Gene Mutation Database (HGMD: prior to June 1st, 2018), and was therefore a candidate for classification through an automated scoring system. Utilizing variant allele frequency, disease prevalence and penetrance estimates, and inheritance mode, an automated score was calculated to assess if this variant is too frequent to cause the disease. Based on the score and internal cut-off values, a variant classified as benign is not then subjected to further curation. The score for this variant resulted in a classification of benign for this disease.

Eurofins Ntd Llc (ga)
Classification: Benign. Last evaluated: 2017-02-06. Review status: criteria provided, single submitter. Criteria: EGL Classification Definitions 2015. Collection method: clinical testing. Allele origin: germline. Observed: 1 variant allele, 1 heterozygote.

GeneDx
Classification: Benign. Last evaluated: 2016-11-10. Review status: criteria provided, single submitter. Criteria: GeneDx Variant Classification (06012015). Collection method: clinical testing. Allele origin: germline. Affected: yes.
Comment: This variant is considered likely benign or benign based on one or more of the following criteria: it is a conservative change, it occurs at a poorly conserved position in the protein, it is predicted to be benign by multiple in silico algorithms, and/or has population frequency not consistent with disease.

Breakthrough Genomics
Classification: Benign. Review status: criteria provided, single submitter. Criteria: ACMG Guidelines, 2015. Collection method: not provided. Allele origin: germline. Inheritance: Autosomal recessive inheritance. Affected: yes.

NM_012463.4(ATP6V0A2):c.1606-12G>A

Gene: ATP6V0A2 (ATPase H+ transporting V0 subunit a2; plus strand). Cytogenetic location: 12q24.31.
Variant type: single nucleotide variant.
Coding change: c.1606-12G>A on transcript NM_012463.4 (MANE Select); 12 bases into the intron before coding-DNA position 1606, G replaced by A.
Molecular consequence: intron variant.
Genome position (GRCh38, 1-based): chr12:123,747,595, G>A. VCF-style: chr12-123747595-G-A. GRCh37 (hg19) VCF-style: chr12-124232142-G-A.
Identifiers: ClinVar variation 386006 (VCV000386006.18), dbSNP rs112415338, ClinGen allele CA6861989.